The following is an entry in ClinVar:

NM_001267550.2(TTN):c.12130T>C (p.Ser4044Pro)

Gene: TTN (titin; minus strand). Cytogenetic location: 2q31.2.
Variant type: single nucleotide variant.
Coding change: c.12130T>C on transcript NM_001267550.2 (MANE Select); coding-DNA position 12130, T replaced by C.
Protein change: p.Ser4044Pro; replaces serine 4044 with proline.
Molecular consequence: missense variant. On other transcripts: intron variant (1).
Genome position (GRCh38, 1-based): chr2:178,741,103, A>G on the plus strand (T>C on the coding strand, the complement: TTN is on the minus strand). VCF-style: chr2-178741103-A-G. GRCh37 (hg19) VCF-style: chr2-179605830-A-G.
Other names: c.11179T>C, p.Ser3727Pro (NM_001256850.1); c.11041T>C, p.Ser3681Pro (NM_003319.4); c.11416T>C, p.Ser3806Pro (NM_133432.3); c.11617T>C, p.Ser3873Pro (NM_133437.4); c.10361-2743T>C (NM_133378.4); short protein forms S3681P, S3727P, S3806P, S3873P, S4044P.
Identifiers: ClinVar variation 4085952 (VCV004085952.8).

ClinVar aggregate classification (germline): Uncertain significance (1 of 4 stars; one submission).

Submission:

CeGaT Center for Human Genetics Tuebingen
Classification: Uncertain significance. Last evaluated: 2025-09-01. Review status: criteria provided, single submitter. Criteria: CeGaT Center For Human Genetics Tuebingen Variant Classification Criteria Version 2. Collection method: clinical testing. Allele origin: germline. Affected: yes. Observed: 1 variant allele.
Comment: TTN: PM2, BP4